The following is an entry in ClinVar:

NM_004364.5(CEBPA):c.931C>T (p.Gln311Ter)

Gene: CEBPA (CCAAT enhancer binding protein alpha; minus strand). Cytogenetic location: 19q13.11.
Variant type: single nucleotide variant.
Coding change: c.931C>T on transcript NM_004364.5 (MANE Select); coding-DNA position 931, C replaced by T.
Protein change: p.Gln311Ter; replaces glutamine 311 with a stop codon.
Molecular consequence: nonsense.
Genome position (GRCh38, 1-based): chr19:33,301,484, G>A on the plus strand (C>T on the coding strand, the complement: CEBPA is on the minus strand). VCF-style: chr19-33301484-G-A. GRCh37 (hg19) VCF-style: chr19-33792390-G-A.
Other names: c.574C>T, p.Gln192Ter (NM_001285829.2); c.1036C>T, p.Gln346Ter (NM_001287424.2); c.889C>T, p.Gln297Ter (NM_001287435.2); short protein forms Q192*, Q311*, Q346*, Q297*.
Identifiers: ClinVar variation 851673 (VCV000851673.9), dbSNP rs1967162539, ClinGen allele CA405273897.

ClinVar aggregate classification (germline): Conflicting classifications of pathogenicity. Review status: criteria provided, conflicting classifications (1 of 4 stars). 2 submissions from 2 submitters: Pathogenic (1); Uncertain significance (1). Last evaluated 2025-11-12.

Conditions:
Acute myeloid leukemia (AML). Also called: Acute myeloid leukemia, adult; AML adult; Acute non-lymphocytic leukemia; Acute granulocytic leukemia; Leukemia, acute myeloid, somatic; Leukemia, acute myelogenous, somatic. Identifiers: Orphanet 519, MedGen C0023467, MeSH D015470, MONDO:0018874, OMIM 601626, HP:0004808. Disease mechanism: Constitutively activated FLT3.

Submissions (2):

Labcorp Genetics (formerly Invitae), Labcorp
Classification: Uncertain significance for Acute myeloid leukemia. Last evaluated: 2025-11-12. Review status: criteria provided, single submitter. Criteria: Invitae Variant Classification Sherloc (09022015). Collection method: clinical testing. Allele origin: germline.
Comment: This sequence change creates a premature translational stop signal (p.Gln311*) in the CEBPA gene. While this is not anticipated to result in nonsense mediated decay, it is expected to disrupt the last 48 amino acid(s) of the CEBPA protein. This variant is not present in population databases (gnomAD no frequency). This variant has not been reported in the literature in individuals affected with CEBPA-related conditions. ClinVar contains an entry for this variant (Variation ID: 851673). Experimental studies and prediction algorithms are not available or were not evaluated, and the functional significance of this variant is currently unknown. In summary, the available evidence is currently insufficient to determine the role of this variant in disease. Therefore, it has been classified as a Variant of Uncertain Significance.

Clinical Genetics and Genomics, Karolinska University Hospital
Classification: Pathogenic. Last evaluated: 2017-07-14. Review status: criteria provided, single submitter. Criteria: ACMG Guidelines, 2015. Collection method: clinical testing. Allele origin: unknown. Affected: yes. Observed: 1 variant allele.